The following is an entry in ClinVar:

ClinVar aggregate classification (germline): Uncertain significance. Review status: criteria provided, multiple submitters, no conflicts (2 of 4 stars). 2 submissions from 2 submitters: Uncertain significance (2). Last evaluated 2022-04-10.

Conditions:
Hereditary cancer-predisposing syndrome. Also called: Tumor predisposition; Hereditary neoplastic syndrome; Hereditary Cancer Syndrome; Neoplastic Syndromes, Hereditary. Identifiers: Orphanet 140162, MedGen C0027672, MeSH D009386, MONDO:0015356.

Allele frequency attached by ClinVar (database versions not stated): gnomAD 0.00001.
gnomAD v4.1: 11 of 1,613,076 alleles (0.00068%); highest among the groups gnomAD compares: Non-Finnish European, 0.00025%; no homozygotes.

Submissions (2):

Ambry Genetics
Classification: Uncertain significance for Hereditary cancer-predisposing syndrome. Last evaluated: 2022-04-10. Review status: criteria provided, single submitter. Criteria: Ambry Variant Classification Scheme 2023. Collection method: clinical testing. Allele origin: germline.
Comment: The p.H1247P variant (also known as c.3740A>C), located in coding exon 24 of the RAD50 gene, results from an A to C substitution at nucleotide position 3740. The histidine at codon 1247 is replaced by proline, an amino acid with similar properties. This amino acid position is conserved. In addition, this alteration is predicted to be tolerated by in silico analysis. Since supporting evidence is limited at this time, the clinical significance of this alteration remains unclear.

Labcorp Genetics (formerly Invitae), Labcorp
Classification: Uncertain significance for Hereditary cancer-predisposing syndrome. Last evaluated: 2020-10-14. Review status: criteria provided, single submitter. Criteria: Invitae Variant Classification Sherloc (09022015). Collection method: clinical testing. Allele origin: germline.
Comment: In summary, the available evidence is currently insufficient to determine the role of this variant in disease. Therefore, it has been classified as a Variant of Uncertain Significance. Algorithms developed to predict the effect of missense changes on protein structure and function are either unavailable or do not agree on the potential impact of this missense change (SIFT: "Tolerated"; PolyPhen-2: "Possibly Damaging"; Align-GVGD: "Class C0"). This variant has not been reported in the literature in individuals with RAD50-related conditions. This variant is not present in population databases (ExAC no frequency). This sequence change replaces histidine with proline at codon 1247 of the RAD50 protein (p.His1247Pro). The histidine residue is moderately conserved and there is a moderate physicochemical difference between histidine and proline.

NM_005732.4(RAD50):c.3740A>C (p.His1247Pro)

Genes: TH2-LCR (Th2 cytokine locus control region; plus strand), RAD50 (RAD50 double strand break repair protein; plus strand), TH2LCRR (T helper type 2 locus control region associated RNA; minus strand). Cytogenetic location: 5q31.1.
Variant type: single nucleotide variant.
Coding change: c.3740A>C on transcript NM_005732.4 (MANE Select); coding-DNA position 3740, A replaced by C.
Protein change: p.His1247Pro; replaces histidine 1247 with proline.
Molecular consequence: missense variant.
Genome position (GRCh38, 1-based): chr5:132,640,793, A>C. VCF-style: chr5-132640793-A-C. GRCh37 (hg19) VCF-style: chr5-131976485-A-C.
Other names: short protein forms H1247P.
Identifiers: ClinVar variation 1051251 (VCV001051251.11), dbSNP rs1397349878, ClinGen allele CA360934960.